The following is an entry in ClinVar:

ClinVar aggregate classification (germline): Uncertain significance (1 of 4 stars; one submission).

Conditions:
Hereditary cancer-predisposing syndrome. Also called: Neoplastic Syndromes, Hereditary; Tumor predisposition; Hereditary Cancer Syndrome; Hereditary neoplastic syndrome. Identifiers: Orphanet 140162, MedGen C0027672, MeSH D009386, MONDO:0015356.

Submission:

Ambry Genetics
Classification: Uncertain significance for Hereditary cancer-predisposing syndrome. Last evaluated: 2026-01-30. Review status: criteria provided, single submitter. Criteria: Ambry Variant Classification Scheme 2023. Collection method: clinical testing. Allele origin: germline.
Comment: The p.G315R variant (also known as c.943G>C), located in coding exon 8 of the BMPR1A gene, results from a G to C substitution at nucleotide position 943. The glycine at codon 315 is replaced by arginine, an amino acid with dissimilar properties. This amino acid position is highly conserved in available vertebrate species. In addition, this alteration is predicted to be deleterious by in silico analysis. Based on the available evidence, the clinical significance of this variant remains unclear.

NM_004329.3(BMPR1A):c.943G>C (p.Gly315Arg)

Gene: BMPR1A (bone morphogenetic protein receptor type 1A; plus strand). Cytogenetic location: 10q23.2.
Variant type: single nucleotide variant.
Coding change: c.943G>C on transcript NM_004329.3 (MANE Select); coding-DNA position 943, G replaced by C.
Protein change: p.Gly315Arg; replaces glycine 315 with arginine.
Molecular consequence: missense variant. On other transcripts: non-coding transcript variant (3).
Genome position (GRCh38, 1-based): chr10:86,919,246, G>C. VCF-style: chr10-86919246-G-C. GRCh37 (hg19) VCF-style: chr10-88679003-G-C.
Other names: c.943G>C, p.Gly315Arg (NM_001406577.1, NM_001406578.1, NM_001406579.1 and 19 more transcripts); c.937G>C, p.Gly313Arg (NM_001406583.1); c.859G>C, p.Gly287Arg (NM_001406584.1, NM_001406585.1, NM_001406586.1 and 2 more transcripts); c.1018G>C, p.Gly340Arg (NM_001406559.1); c.991G>C, p.Gly331Arg (NM_001406560.1); c.601G>C, p.Gly201Arg (NM_001406589.1); short protein forms G315R, G287R, G313R, G201R, G331R, G340R.
Identifiers: ClinVar variation 4826874 (VCV004826874.1).
Genomic context (GRCh38, chr10:86,919,246, plus strand): 5'-GACATTAAAGGTACAGGTTCCTGGACTCAGCTCTATTTGATTACTGATTACCATGAAAAT[G>C]GATCTCTCTATGACTTCCTGAAATGTGCTACACTGGACACCAGAGCCCTGCTTAAATTGG-3'
Protein context (NP_004320.2, residues 305-325): LYLITDYHEN[Gly315Arg]SLYDFLKCAT